The following is an entry in ClinVar:

ClinVar aggregate classification (germline): Uncertain significance. Review status: criteria provided, multiple submitters, no conflicts (2 of 4 stars). 2 submissions from 2 submitters: Uncertain significance (2). Last evaluated 2023-06-12.

Conditions:
Emery-Dreifuss muscular dystrophy 5, autosomal dominant (EDMD5). Also called: EMERY-DREIFUSS MUSCULAR DYSTROPHY 5. Identifiers: Orphanet 261, MedGen C2751805, MONDO:0013072, OMIM 612999.

Allele frequency attached by ClinVar (database versions not stated): gnomAD exomes below 0.00001; TOPMed below 0.00001; gnomAD 0.00001.
gnomAD v4.1: 2 of 1,614,100 alleles (0.00012%); highest among the groups gnomAD compares: African/African-American, 0.0013%; no homozygotes.

Submissions (2):

Ambry Genetics
Classification: Uncertain significance. Last evaluated: 2023-06-12. Review status: criteria provided, single submitter. Criteria: Ambry Variant Classification Scheme 2023. Collection method: clinical testing. Allele origin: germline.

Labcorp Genetics (formerly Invitae), Labcorp
Classification: Uncertain significance for Emery-Dreifuss muscular dystrophy 5, autosomal dominant. Last evaluated: 2022-04-06. Review status: criteria provided, single submitter. Criteria: Invitae Variant Classification Sherloc (09022015). Collection method: clinical testing. Allele origin: germline.
Comment: In summary, the available evidence is currently insufficient to determine the role of this variant in disease. Therefore, it has been classified as a Variant of Uncertain Significance. Algorithms developed to predict the effect of missense changes on protein structure and function are either unavailable or do not agree on the potential impact of this missense change (SIFT: "Deleterious"; PolyPhen-2: "Possibly Damaging"; Align-GVGD: "Class C0"). This variant has not been reported in the literature in individuals affected with SYNE2-related conditions. This variant is not present in population databases (gnomAD no frequency). This sequence change replaces lysine, which is basic and polar, with asparagine, which is neutral and polar, at codon 4242 of the SYNE2 protein (p.Lys4242Asn).

NM_182914.3(SYNE2):c.12726G>T (p.Lys4242Asn)

Gene: SYNE2 (spectrin repeat containing nuclear envelope protein 2; plus strand). Cytogenetic location: 14q23.2.
Variant type: single nucleotide variant.
Coding change: c.12726G>T on transcript NM_182914.3 (MANE Select); coding-DNA position 12726, G replaced by T.
Protein change: p.Lys4242Asn; replaces lysine 4242 with asparagine.
Molecular consequence: missense variant.
Genome position (GRCh38, 1-based): chr14:64,113,457, G>T. VCF-style: chr14-64113457-G-T. GRCh37 (hg19) VCF-style: chr14-64580175-G-T.
Other names: c.12726G>T, p.Lys4242Asn (NM_015180.6); c.12726G>T (NM_182914.2); short protein forms K4242N.
Identifiers: ClinVar variation 2144438 (VCV002144438.6), dbSNP rs1398565000, ClinGen allele CA389958422.